The following is an entry in ClinVar:

ClinVar aggregate classification (germline): Pathogenic (1 of 4 stars; one submission).

Allele frequency attached by ClinVar (database versions not stated): gnomAD exomes below 0.00001.
gnomAD v4.1: 1 of 1,559,632 alleles (0.000064%); highest among the groups gnomAD compares: East Asian, 0.0023%; no homozygotes.

Submission:

Labcorp Genetics (formerly Invitae), Labcorp
Classification: Pathogenic. Last evaluated: 2022-09-23. Review status: criteria provided, single submitter. Criteria: Invitae Variant Classification Sherloc (09022015). Collection method: clinical testing. Allele origin: germline.
Comment: This sequence change affects a donor splice site in intron 51 of the ADGRV1 gene. It is expected to disrupt RNA splicing. Variants that disrupt the donor or acceptor splice site typically lead to a loss of protein function (PMID: 16199547), and loss-of-function variants in ADGRV1 are known to be pathogenic (PMID: 19357117, 22135276, 22147658, 26226137, 30718709, 31047384, 32467589). This variant is not present in population databases (gnomAD no frequency). Disruption of this splice site has been observed in individual(s) with Usher syndrome (Invitae). Algorithms developed to predict the effect of sequence changes on RNA splicing suggest that this variant may disrupt the consensus splice site. For these reasons, this variant has been classified as Pathogenic.

Literature cited by the submitters: PubMed 16199547; PubMed 19357117; PubMed 22135276; PubMed 22147658; PubMed 26226137; PubMed 30718709; PubMed 31047384; PubMed 32467589.

NM_032119.4(ADGRV1):c.10769+2T>A

Gene: ADGRV1 (adhesion G protein-coupled receptor V1; plus strand). Cytogenetic location: 5q14.3.
Variant type: single nucleotide variant.
Coding change: c.10769+2T>A on transcript NM_032119.4 (MANE Select); the canonical splice donor site of the intron after coding-DNA position 10769, T replaced by A.
Molecular consequence: splice donor variant.
Genome position (GRCh38, 1-based): chr5:90,745,267, T>A. VCF-style: chr5-90745267-T-A. GRCh37 (hg19) VCF-style: chr5-90041084-T-A.
Identifiers: ClinVar variation 2032270 (VCV002032270.4), dbSNP rs2531540786, ClinGen allele CA360408721.